The following is an entry in ClinVar:

NM_000169.3(GLA):c.266T>C (p.Leu89Pro)

Genes: GLA (galactosidase alpha; minus strand), RPL36A-HNRNPH2 (RPL36A-HNRNPH2 readthrough; plus strand). Cytogenetic location: Xq22.1.
Variant type: single nucleotide variant.
Coding change: c.266T>C on transcript NM_000169.3 (MANE Select); coding-DNA position 266, T replaced by C.
Protein change: p.Leu89Pro; replaces leucine 89 with proline.
Molecular consequence: missense variant. On other transcripts: non-coding transcript variant (3), intron variant (2).
Genome position (GRCh38, 1-based): chrX:101,403,914, A>G on the plus strand (T>C on the coding strand, the complement: GLA is on the minus strand). VCF-style: chrX-101403914-A-G. GRCh37 (hg19) VCF-style: chrX-100658902-A-G.
Other names: c.389T>C, p.Leu130Pro (NM_001406747.1, NM_001406749.1); c.266T>C, p.Leu89Pro (NM_001406748.1); c.301-8022A>G (NM_001199973.2); c.178-8022A>G (NM_001199974.2); short protein forms L130P, L89P.
Identifiers: ClinVar variation 4087320 (VCV004087320.3).
Genomic context (GRCh38, chrX:101,403,914, plus strand): 5'-TCTGCCTGAAGTCTGCCTTCTGAATCTCTTTGGGGAGCCATCCAACAGTCATCAATGCAG[A>G]GGTACTCATAACCTGCATCCTTCCAGCCTTCTGAGACCATGAGCTCTGCCATCTCCATGA-3'
Protein context (NP_000160.1, residues 79-99): EGWKDAGYEY[Leu89Pro]CIDDCWMAPQ

ClinVar aggregate classification (germline): Pathogenic. Review status: criteria provided, multiple submitters, no conflicts (2 of 4 stars). 2 submissions from 2 submitters: Pathogenic (2). Last evaluated 2026-09-08.

Conditions:
Fabry disease. Also called: ALPHA-GALACTOSIDASE A DEFICIENCY; ANDERSON-FABRY DISEASE; CERAMIDE TRIHEXOSIDASE DEFICIENCY; GLA DEFICIENCY; HEREDITARY DYSTOPIC LIPIDOSIS; Angiokeratoma corporis diffusum. Identifiers: Orphanet 324, MedGen C0002986, MONDO:0010526, OMIM 301500, HP:0001071. Disease mechanism: Fabry disease is due to inactivating mutations in the X-linked GLA gene resulting in deficiency of the enzyme Alpha Galactosidase-A., loss of function.

Submissions (2):

Genomenon, Inc
Classification: Pathogenic for Fabry disease. Last evaluated: 2026-09-08. Review status: criteria provided, single submitter. Criteria: Genomenon Sequence Variant Interpretation Standards - Updated. Collection method: curation. Allele origin: germline. Affected: yes.
Comment: GLA p.Leu89Pro (c.266T>C) is a missense variant that changes the amino acid at codon 89 from Leucine to Proline. This variant has been observed in at least one proband with clinical features consistent with Fabry disease (PMID:20022777;9100224;39609713;18154965). The variant was found to segregate with disease in at least one affected family (PMID:18154965). At least one functional study has demonstrated a substantial alteration in protein function relative to the wild-type (PMID:27657681). This variant is located in a mutational hotspot and/or important functional domain. It is absent or not present at a significant frequency in gnomAD. In silico models predict that this variant is possibly or probably damaging. In conclusion, we classify GLA p.Leu89Pro (c.266T>C) as a pathogenic variant.

Serv. Biochemistry and Molecular genetics, Hospital Clinic de Barcelona, Hospital Clínic de Barcelona
Classification: Pathogenic for Fabry disease. Last evaluated: 2026-05-21. Review status: criteria provided, single submitter. Criteria: ACMG Guidelines, 2015. Collection method: clinical testing. Allele origin: germline. Inheritance: X-linked inheritance. Affected: yes. Observed: 1 variant allele.
Comment: Classification reported in the manuscript using ACMG criteria/in silico tools: Pathogenic. Variant type: Missense; amino acid change: p.Leu89Pro. Criteria: PM1, PM2, PM5, PP2, PP3, PS4,

Literature cited by the submitters: PubMed 20022777 (cited by Genomenon, Inc and Serv. Biochemistry and Molecular genetics, Hospital Clinic de Barcelona, Hospital Clínic de Barcelona); PubMed 9100224 (cited by Genomenon, Inc and Serv. Biochemistry and Molecular genetics, Hospital Clinic de Barcelona, Hospital Clínic de Barcelona); PubMed 39609713 (cited by Genomenon, Inc and Serv. Biochemistry and Molecular genetics, Hospital Clinic de Barcelona, Hospital Clínic de Barcelona); PubMed 18154965 (cited by Genomenon, Inc and Serv. Biochemistry and Molecular genetics, Hospital Clinic de Barcelona, Hospital Clínic de Barcelona); PubMed 27657681 (cited by Genomenon, Inc and Serv. Biochemistry and Molecular genetics, Hospital Clinic de Barcelona, Hospital Clínic de Barcelona); PubMed 18023222 (cited by Serv. Biochemistry and Molecular genetics, Hospital Clinic de Barcelona, Hospital Clínic de Barcelona).